The following is an entry in ClinVar:

NM_000136.3(FANCC):c.371C>T (p.Ala124Val)

Gene: FANCC (FA complementation group C; minus strand). Cytogenetic location: 9q22.32.
Variant type: single nucleotide variant.
Coding change: c.371C>T on transcript NM_000136.3 (MANE Select); coding-DNA position 371, C replaced by T.
Protein change: p.Ala124Val; replaces alanine 124 with valine.
Molecular consequence: missense variant.
Genome position (GRCh38, 1-based): chr9:95,172,122, G>A on the plus strand (C>T on the coding strand, the complement: FANCC is on the minus strand). VCF-style: chr9-95172122-G-A. GRCh37 (hg19) VCF-style: chr9-97934404-G-A.
Other names: p.A124V:GCA>GTA; c.371C>T, p.Ala124Val (NM_001243743.2, NM_001243744.2); short protein forms A124V.
Identifiers: ClinVar variation 182471 (VCV000182471.14), dbSNP rs374602991, ClinGen allele CA299142.
Genomic context (GRCh38, chr9:95,172,122, plus strand): 5'-TCTATAGGTGCATACCCAAGACCTTGAGTGAAAAGAGCAACTTCTTTATCAAATCTGAGT[G>A]CTGAAAGTATATGAGATAATACACCCTAAAAAACATAAACAGAAAAAGTTAACTTCTTTA-3'
Protein context (NP_000127.2, residues 114-134): IQGVLSHILS[Ala124Val]LRFDKEVALF

ClinVar aggregate classification (germline): Uncertain significance. Review status: criteria provided, multiple submitters, no conflicts (2 of 4 stars). 4 submissions from 4 submitters: Uncertain significance (3). 1 of the submissions does not count toward it. Last evaluated 2024-06-17.

Conditions:
Hereditary cancer-predisposing syndrome. Also called: Tumor predisposition; Hereditary Cancer Syndrome; Hereditary neoplastic syndrome; Neoplastic Syndromes, Hereditary. Identifiers: Orphanet 140162, MedGen C0027672, MeSH D009386, MONDO:0015356.
Fanconi anemia (FA). Also called: Fanconi's anemia. Identifiers: Orphanet 84, MedGen C0015625, MeSH D005199, MONDO:0019391.
Fanconi anemia complementation group C (FANCC). Also called: FANCONI PANCYTOPENIA, TYPE 3; FACC; FANCC-Related Fanconi Anemia; Fanconi anemia, group C. Identifiers: Orphanet 84, MedGen C3468041, MONDO:0009213, OMIM 227645.

Allele frequency attached by ClinVar (database versions not stated): ESP Exome Variant Server 0.00008.
gnomAD v4.1: 15 of 1,612,144 alleles (0.00093%); highest among the groups gnomAD compares: Non-Finnish European, 0.0012%; no homozygotes.

Submissions (4):

Labcorp Genetics (formerly Invitae), Labcorp
Classification: Uncertain significance for Fanconi anemia. Last evaluated: 2024-06-17. Review status: criteria provided, single submitter. Criteria: Invitae Variant Classification Sherloc (09022015). Collection method: clinical testing. Allele origin: germline.
Comment: This sequence change replaces alanine, which is neutral and non-polar, with valine, which is neutral and non-polar, at codon 124 of the FANCC protein (p.Ala124Val). This variant is present in population databases (rs374602991, gnomAD 0.002%). This variant has not been reported in the literature in individuals affected with FANCC-related conditions. ClinVar contains an entry for this variant (Variation ID: 182471). Advanced modeling of protein sequence and biophysical properties (such as structural, functional, and spatial information, amino acid conservation, physicochemical variation, residue mobility, and thermodynamic stability) performed at Invitae indicates that this missense variant is not expected to disrupt FANCC protein function with a negative predictive value of 80%. In summary, the available evidence is currently insufficient to determine the role of this variant in disease. Therefore, it has been classified as a Variant of Uncertain Significance.

Ambry Genetics
Classification: Uncertain significance for Hereditary cancer-predisposing syndrome. Last evaluated: 2024-02-22. Review status: criteria provided, single submitter. Criteria: Ambry Variant Classification Scheme 2023. Collection method: clinical testing. Allele origin: germline.
Comment: The p.A124V variant (also known as c.371C>T), located in coding exon 4 of the FANCC gene, results from a C to T substitution at nucleotide position 371. The alanine at codon 124 is replaced by valine, an amino acid with similar properties. This amino acid position is not well conserved in available vertebrate species. In addition, this alteration is predicted to be tolerated by in silico analysis. Since supporting evidence is limited at this time, the clinical significance of this alteration remains unclear.

GeneDx
Classification: Uncertain significance. Last evaluated: 2014-04-05. Review status: criteria provided, single submitter. Criteria: GeneDx Variant Classification (06012015). Collection method: clinical testing. Allele origin: germline. Affected: yes.
Comment: This variant is denoted FANCC c.371C>T at the cDNA level, p.Ala124Val (A124V) at the protein level, and results in the change of an Alanine to a Valine (GCA>GTA). This variant has not, to our knowledge, been published in the literature as pathogenic or benign. FANCC Ala124Val was not observed at a significant allele frequency in the NHLBI Exome Sequencing Project. Since Alanine and Valine share similar properties, this is considered a conservative amino acid substitution and is unlikely to affect protein integrity. FANCC Ala124Val occurs at a position that is well conserved across species and is located in the RED domain (Gordon 2013). In silico analyses are inconsistent regarding the effect this variant may have on protein structure and function. Based on currently available information, it is unclear whether FANCC Ala124Val is pathogenic or benign. We consider it to be a variant of uncertain significance. Furthermore, FANCC has been only recently described in association with cancer predisposition and the risks are not well understood.

Natera, Inc.
Classification: Uncertain significance for Fanconi anemia, group C. Last evaluated: 2020-01-17. Review status: no assertion criteria provided. Collection method: clinical testing. Allele origin: germline. Not counted in ClinVar's aggregate classification.